The following is an entry in ClinVar:

NM_000548.5(TSC2):c.2608G>C (p.Ala870Pro)

Gene: TSC2 (TSC complex subunit 2; plus strand). Cytogenetic location: 16p13.3.
Variant type: single nucleotide variant.
Coding change: c.2608G>C on transcript NM_000548.5 (MANE Select); coding-DNA position 2608, G replaced by C.
Protein change: p.Ala870Pro; replaces alanine 870 with proline.
Molecular consequence: missense variant.
Genome position (GRCh38, 1-based): chr16:2,075,861, G>C. VCF-style: chr16-2075861-G-C. GRCh37 (hg19) VCF-style: chr16-2125862-G-C.
Other names: c.2608G>C, p.Ala870Pro (NM_001077183.3, NM_001114382.3, NM_001363528.2 and 3 more transcripts); c.2497G>C, p.Ala833Pro (NM_001318827.2); c.2461G>C, p.Ala821Pro (NM_001318829.2); c.2008G>C, p.Ala670Pro (NM_001318831.2); c.2641G>C, p.Ala881Pro (NM_001318832.2); short protein forms A670P, A821P, A833P, A870P, A881P.
Identifiers: ClinVar variation 947280 (VCV000947280.9), dbSNP rs1060500975, ClinGen allele CA394278427.

ClinVar aggregate classification (germline): Likely pathogenic (1 of 4 stars; one submission).

Conditions:
Tuberous sclerosis 2 (TSC2). Identifiers: Orphanet 805, MedGen C1860707, MONDO:0013199, OMIM 613254.

Submission:

Labcorp Genetics (formerly Invitae), Labcorp
Classification: Likely pathogenic for Tuberous sclerosis 2. Last evaluated: 2019-06-10. Review status: criteria provided, single submitter. Criteria: Invitae Variant Classification Sherloc (09022015). Collection method: clinical testing. Allele origin: germline.
Comment: This variant has been observed to be de novo in an individual affected with tuberous sclerosis complex (Invitae). In summary, the currently available evidence indicates that the variant is pathogenic, but additional data are needed to prove that conclusively. Therefore, this variant has been classified as Likely Pathogenic. Algorithms developed to predict the effect of missense changes on protein structure and function are either unavailable or do not agree on the potential impact of this missense change (SIFT: "Deleterious"; PolyPhen-2: "Possibly Damaging"; Align-GVGD: "Class C0"). This variant is not present in population databases (ExAC no frequency). This sequence change replaces alanine with proline at codon 870 of the TSC2 protein (p.Ala870Pro). The alanine residue is highly conserved and there is a small physicochemical difference between alanine and proline.